The following is an entry in ClinVar:

ClinVar aggregate classification (germline): Uncertain significance (1 of 4 stars; one submission).

Conditions:
Primary ciliary dyskinesia. Also called: Ciliary dyskinesia. Identifiers: Orphanet 244, MedGen C0008780, MONDO:0016575, HP:0012265.

Submission:

Labcorp Genetics (formerly Invitae), Labcorp
Classification: Uncertain significance for Primary ciliary dyskinesia. Last evaluated: 2024-05-28. Review status: criteria provided, single submitter. Criteria: Invitae Variant Classification Sherloc (09022015). Collection method: clinical testing. Allele origin: germline.
Comment: This sequence change affects a donor splice site in intron 10 of the DNAAF1 gene. It is expected to disrupt RNA splicing. While loss-of-function variants in DNAAF1 are known to be pathogenic (PMID: 19944400, 19944405), disruption of this splice site may preserve the integrity of the protein. This variant is not present in population databases (gnomAD no frequency). Disruption of this splice site has been observed in individual(s) with clinical features of primary ciliary dyskinesia and unaffected individuals (PMID: 27884173, 34215651, 34768622). Algorithms developed to predict the effect of sequence changes on RNA splicing suggest that this variant may disrupt the consensus splice site. In summary, the available evidence is currently insufficient to determine the role of this variant in disease. Therefore, it has been classified as a Variant of Uncertain Significance.

Literature cited by the submitters: PubMed 19944400; PubMed 19944405; PubMed 27884173; PubMed 34215651; PubMed 34768622.

NM_178452.6(DNAAF1):c.1698+1G>C

Gene: DNAAF1 (dynein axonemal assembly factor 1; plus strand). Cytogenetic location: 16q24.1.
Variant type: single nucleotide variant.
Coding change: c.1698+1G>C on transcript NM_178452.6 (MANE Select); the canonical splice donor site of the intron after coding-DNA position 1698, G replaced by C.
Molecular consequence: splice donor variant.
Genome position (GRCh38, 1-based): chr16:84,174,723, G>C. VCF-style: chr16-84174723-G-C. GRCh37 (hg19) VCF-style: chr16-84208329-G-C.
Other names: c.990+1G>C (NM_001318756.1).
Identifiers: ClinVar variation 3654892 (VCV003654892.2).